The following is an entry in ClinVar:

ClinVar aggregate classification (germline): Likely pathogenic (1 of 4 stars; one submission).

Conditions:
Duchenne muscular dystrophy (DMD). Also called: MUSCULAR DYSTROPHY, PSEUDOHYPERTROPHIC PROGRESSIVE, DUCHENNE TYPE; Duchenne Muscular Dystrophy (DMD). Identifiers: Orphanet 98896, MedGen C0013264, MONDO:0010679, OMIM 310200.

Submission:

Labcorp Genetics (formerly Invitae), Labcorp
Classification: Likely pathogenic for Duchenne muscular dystrophy. Last evaluated: 2019-02-05. Review status: criteria provided, single submitter. Criteria: Invitae Variant Classification Sherloc (09022015). Collection method: clinical testing. Allele origin: germline.
Comment: This variant has been observed in an individuals affected with DMD-related dystrophinopathies (PMID: 12632325, Invitae). This variant is not present in population databases (ExAC no frequency). This variant has been reported to affect DMD protein function (PMID: 24302611). This variant disrupts the p.Cys3313 amino acid residue in DMD. Other variant(s) that disrupt this residue have been observed in individuals with DMD-related conditions (PMID: 28859693, 21515508, Invitae), suggesting that it is a clinically significant residue. As a result, variants that disrupt this residue are likely to be causative of disease. In summary, the currently available evidence indicates that the variant is pathogenic, but additional data are needed to prove that conclusively. Therefore, this variant has been classified as Likely Pathogenic. This sequence change replaces cysteine with phenylalanine at codon 3313 of the DMD protein (p.Cys3313Phe). The cysteine residue is highly conserved and there is a large physicochemical difference between cysteine and phenylalanine.

Literature cited by the submitters: PubMed 12632325; PubMed 24302611; PubMed 28859693; PubMed 21515508.

NM_004006.3(DMD):c.9938G>T (p.Cys3313Phe)

Gene: DMD (dystrophin; minus strand). Cytogenetic location: Xp21.2.
Variant type: single nucleotide variant.
Coding change: c.9938G>T on transcript NM_004006.3 (MANE Select); coding-DNA position 9938, G replaced by T.
Protein change: p.Cys3313Phe; replaces cysteine 3313 with phenylalanine.
Molecular consequence: missense variant.
Genome position (GRCh38, 1-based): chrX:31,182,774, C>A on the plus strand (G>T on the coding strand, the complement: DMD is on the minus strand). VCF-style: chrX-31182774-C-A. GRCh37 (hg19) VCF-style: chrX-31200891-C-A.
Other names: c.9914G>T, p.Cys3305Phe (NM_000109.4); c.9926G>T, p.Cys3309Phe (NM_004009.3); c.9569G>T, p.Cys3190Phe (NM_004010.3); c.5915G>T, p.Cys1972Phe (NM_004011.4); c.5906G>T, p.Cys1969Phe (NM_004012.4); c.2558G>T, p.Cys853Phe (NM_004013.3, NM_004020.4, NM_004021.3 and 2 more transcripts); c.1751G>T, p.Cys584Phe (NM_004014.3); c.734G>T, p.Cys245Phe (NM_004015.3, NM_004016.3, NM_004017.3 and 2 more transcripts); short protein forms C1972F, C3309F, C3190F, C1969F, C3305F, C584F, C245F, C3313F.
Identifiers: ClinVar variation 658297 (VCV000658297.12), dbSNP rs886043597, ClinGen allele CA412653346.